The following is an entry in ClinVar:

ClinVar aggregate classification (germline): Uncertain significance. Review status: criteria provided, multiple submitters, no conflicts (2 of 4 stars). 4 submissions from 4 submitters: Uncertain significance (4). Last evaluated 2025-09-28.

Conditions:
Emery-Dreifuss muscular dystrophy 5, autosomal dominant (EDMD5). Also called: EMERY-DREIFUSS MUSCULAR DYSTROPHY 5. Identifiers: Orphanet 261, MedGen C2751805, MONDO:0013072, OMIM 612999.

Allele frequency attached by ClinVar (database versions not stated): gnomAD exomes 0.00001 and 0.00002; ExAC 0.00004; gnomAD 0.00019; TOPMed 0.00025; ESP Exome Variant Server 0.00038.
gnomAD v4.1: 48 of 1,613,990 alleles (0.003%); highest among the groups gnomAD compares: African/African-American, 0.059%; no homozygotes.

Submissions (4):

Labcorp Genetics (formerly Invitae), Labcorp
Classification: Uncertain significance for Emery-Dreifuss muscular dystrophy 5, autosomal dominant. Last evaluated: 2025-09-28. Review status: criteria provided, single submitter. Criteria: Invitae Variant Classification Sherloc (09022015). Collection method: clinical testing. Allele origin: germline.
Comment: This sequence change replaces glutamic acid, which is acidic and polar, with lysine, which is basic and polar, at codon 6837 of the SYNE2 protein (p.Glu6837Lys). This variant is present in population databases (rs146398606, gnomAD 0.04%), and has an allele count higher than expected for a pathogenic variant. This variant has not been reported in the literature in individuals affected with SYNE2-related conditions. ClinVar contains an entry for this variant (Variation ID: 282462). An algorithm developed to predict the effect of missense changes on protein structure and function (PolyPhen-2) suggests that this variant is likely to be tolerated. In summary, the available evidence is currently insufficient to determine the role of this variant in disease. Therefore, it has been classified as a Variant of Uncertain Significance.

Ambry Genetics
Classification: Uncertain significance. Last evaluated: 2021-07-06. Review status: criteria provided, single submitter. Criteria: Ambry Variant Classification Scheme 2023. Collection method: clinical testing. Allele origin: germline.

Revvity Omics, Revvity
Classification: Uncertain significance for Emery-Dreifuss muscular dystrophy 5, autosomal dominant. Last evaluated: 2019-07-24. Review status: criteria provided, single submitter. Criteria: ACMG Guidelines, 2015. Collection method: clinical testing. Allele origin: germline.

Eurofins Ntd Llc (ga)
Classification: Uncertain significance. Last evaluated: 2015-10-13. Review status: criteria provided, single submitter. Criteria: EGL Classification Definitions 2015. Collection method: clinical testing. Allele origin: germline. Observed: 1 variant allele, 1 heterozygote.

NM_182914.3(SYNE2):c.20509G>A (p.Glu6837Lys)

Gene: SYNE2 (spectrin repeat containing nuclear envelope protein 2; plus strand). Cytogenetic location: 14q23.2.
Variant type: single nucleotide variant.
Coding change: c.20509G>A on transcript NM_182914.3 (MANE Select); coding-DNA position 20509, G replaced by A.
Protein change: p.Glu6837Lys; replaces glutamic acid 6837 with lysine.
Molecular consequence: missense variant.
Genome position (GRCh38, 1-based): chr14:64,225,038, G>A. VCF-style: chr14-64225038-G-A. GRCh37 (hg19) VCF-style: chr14-64691756-G-A.
Other names: c.20509G>A (NM_182914.2); c.20443G>A, p.Glu6815Lys (NM_015180.6); c.1075G>A, p.Glu359Lys (NM_182910.2); c.1456G>A, p.Glu486Lys (NM_182913.4); short protein forms E6837K, E359K, E486K, E6815K.
Identifiers: ClinVar variation 282462 (VCV000282462.16), dbSNP rs146398606, ClinGen allele CA7224906.